The following is an entry in ClinVar:

NM_000202.8(IDS):c.509_510del (p.Thr170fs)

Genes: IDS (iduronate 2-sulfatase; minus strand), LOC106050102 (IDS recombination region; plus strand). Cytogenetic location: Xq28.
Variant type: Deletion.
Coding change: c.509_510del on transcript NM_000202.8 (MANE Select); coding-DNA positions 509 to 510, 2 bases deleted (CA; older notation c.509_510delCA).
Protein change: p.Thr170fs; shifts the reading frame from threonine 170.
Molecular consequence: frameshift variant. On other transcripts: non-coding transcript variant (1).
Genome position (GRCh38, 1-based): chrX:149,498,305-149,498,306, TG deleted on the plus strand (CA on the coding strand, the reverse complement: IDS is on the minus strand); deleting any 2 consecutive bases within chrX:149,498,305-149,498,307 gives the same sequence; the c. name uses the placement nearest the transcript's 3' end. VCF-style (leftmost placement, unchanged base first): chrX-149498304-ATG-A. GRCh37 (hg19) VCF-style: chrX-148579835-ATG-A.
Other names: c.239_240del, p.Thr80fs (NM_001166550.4); c.509_510del, p.Thr170fs (NM_006123.5); short protein forms T170fs, T80fs.
Identifiers: ClinVar variation 10496 (VCV000010496.3), dbSNP rs483352904, ClinGen allele CA255278.

ClinVar aggregate classification (germline): Pathogenic. Review status: criteria provided, single submitter (1 of 4 stars). 2 submissions from 2 submitters: Pathogenic (1). 1 of the submissions does not count toward it. Last evaluated 2024-06-07.

Conditions:
Mucopolysaccharidosis, MPS-II (MPS2). Also called: Mucopolysaccharidosis with skin involvement; Mucopolysaccharidosis type 2; Mucopolysaccharidosis Type II; SIDS deficiency; IDS deficiency; Sulfoiduronate sulfatase deficiency. Identifiers: Orphanet 580, Orphanet 79388, MedGen C0026705, MONDO:0010674, OMIM 309900.

Submissions (2):

Laboratory of Diagnosis and Therapy of Lysosomal Disorders, University of Padova
Classification: Pathogenic for Mucopolysaccharidosis, MPS-II. Last evaluated: 2024-06-07. Review status: criteria provided, single submitter. Criteria: ACMG Guidelines, 2015. Collection method: literature only. Allele origin: germline. Affected: yes. Observed: 3 variant alleles.
Comment: Null variant (PVS1_VeryStrong), Absent from controls (or at low frequency) in gnomAD database (PM2_Moderate), Patient’s phenotype or family history highly specific for the disease (PP4_Strong)

Classification method: ACMG Guidelines [PMID:25741868] with modifications

OMIM
Classification: Pathogenic for MUCOPOLYSACCHARIDOSIS, TYPE II. Last evaluated: 1992-08-01. Review status: no assertion criteria provided. Collection method: literature only. Allele origin: germline. Not counted in ClinVar's aggregate classification.

Literature cited by the submitters: PubMed 1303211 (cited by Laboratory of Diagnosis and Therapy of Lysosomal Disorders, University of Padova and OMIM); PubMed 8281149 (cited by Laboratory of Diagnosis and Therapy of Lysosomal Disorders, University of Padova); PubMed 8111411 (cited by Laboratory of Diagnosis and Therapy of Lysosomal Disorders, University of Padova); PubMed 7887413 (cited by Laboratory of Diagnosis and Therapy of Lysosomal Disorders, University of Padova).